The following is an entry in ClinVar:

ClinVar aggregate classification (germline): Uncertain significance (1 of 4 stars; one submission).

Conditions:
Desmin-related myofibrillar myopathy (MFM1). Also called: Desminopathy; Myofibrillar myopathy 1; Desmin related myopathy (former name); Desmin storage myopathy (former name); MYOFIBRILLAR MYOPATHY WITH ARRHYTHMOGENIC RIGHT VENTRICULAR CARDIOMYOPATHY; DESMIN-RELATED MYOPATHY WITH ARRHYTHMOGENIC RIGHT VENTRICULAR CARDIOMYOPATHY. Identifiers: Orphanet 363543, Orphanet 98909, MedGen C1832370, MONDO:0011076, OMIM 601419.

Allele frequency attached by ClinVar (database versions not stated): gnomAD exomes below 0.00001; ExAC 0.00001.
gnomAD v4.1: 2 of 1,599,656 alleles (0.00013%); highest among the groups gnomAD compares: Non-Finnish European, 0.00017%; no homozygotes.

Submission:

Labcorp Genetics (formerly Invitae), Labcorp
Classification: Uncertain significance for Desmin-related myofibrillar myopathy. Last evaluated: 2022-01-05. Review status: criteria provided, single submitter. Criteria: Invitae Variant Classification Sherloc (09022015). Collection method: clinical testing. Allele origin: germline.
Comment: This sequence change replaces serine, which is neutral and polar, with glycine, which is neutral and non-polar, at codon 8 of the DES protein (p.Ser8Gly). This variant is present in population databases (rs752174050, gnomAD 0.001%). This variant has not been reported in the literature in individuals affected with DES-related conditions. Algorithms developed to predict the effect of missense changes on protein structure and function are either unavailable or do not agree on the potential impact of this missense change (SIFT: "Tolerated"; PolyPhen-2: "Not Available"; Align-GVGD: "Class C0"). In summary, the available evidence is currently insufficient to determine the role of this variant in disease. Therefore, it has been classified as a Variant of Uncertain Significance.

NM_001927.4(DES):c.22A>G (p.Ser8Gly)

Gene: DES (desmin; plus strand). Cytogenetic location: 2q35.
Variant type: single nucleotide variant.
Coding change: c.22A>G on transcript NM_001927.4 (MANE Select); coding-DNA position 22, A replaced by G.
Protein change: p.Ser8Gly; replaces serine 8 with glycine.
Molecular consequence: missense variant.
Genome position (GRCh38, 1-based): chr2:219,418,484, A>G. VCF-style: chr2-219418484-A-G. GRCh37 (hg19) VCF-style: chr2-220283206-A-G.
Other names: c.22A>G, p.Ser8Gly (NM_001382708.1, NM_001382709.1, NM_001382710.1 and 3 more transcripts); short protein forms S8G.
Identifiers: ClinVar variation 1984588 (VCV001984588.4), dbSNP rs752174050, ClinGen allele CA2125003.